The following is an entry in ClinVar:

ClinVar aggregate classification (germline): Uncertain significance. Review status: reviewed by expert panel (3 of 4 stars). 10 submissions from 10 submitters: Uncertain significance (1). 9 of the submissions do not count toward it. Last evaluated 2025-07-01.

Conditions:
Cardiovascular phenotype. Identifiers: MedGen CN230736.
Long QT syndrome (LQTS). Identifiers: MedGen C0023976, MeSH D008133, MONDO:0002442. Disease mechanism: loss of function. Inheritance: Various modes of inheritance.
Long QT syndrome 1 (LQT1). Identifiers: Orphanet 101016, Orphanet 768, MedGen C4551647, MONDO:0100316, OMIM 192500, MONDO:0008646.

Allele frequency attached by ClinVar (database versions not stated): gnomAD exomes 0.00006; ExAC 0.00008; gnomAD 0.00009; TOPMed 0.00009; ESP Exome Variant Server 0.00016.
gnomAD v4.1: 101 of 1,597,702 alleles (0.0063%); highest among the groups gnomAD compares: Middle Eastern, 0.016%; no homozygotes.

Submissions (10):

ClinGen Potassium Channel Arrhythmia Variant Curation Expert Panel, ClinGen
Classification: Uncertain significance for Long QT syndrome 1. Last evaluated: 2025-07-01. Review status: reviewed by expert panel. Criteria: ClinGen KChannel ACMG Specifications KCNQ1 V1.0.0 2. Collection method: curation. Allele origin: germline. Inheritance: Autosomal dominant inheritance.
Comment: NM_000218.3(KCNQ1):c.328G>A is a missense variant predicted to cause substitution of valine by isoleucine at amino acid 110 (p.Val110Ile). This variant is present in gnomAD v.4.1.0 at a maximum allele frequency of 0.00008307, with 98 alleles / 1,179,710 total alleles in the European (non-Finnish) population, which is higher than the ClinGen Potassium Channel Arrhythmia VCEP PM2_Supporting threshold of <0.00001, but lower than the BS1 threshold of >0.0004, so neither criterion is met. Functional studies have been performed on this variant (PMID: 21164565, 29532034, and 29021305) but do not meet VCEP criteria for PS3/BS3. The computational predictor REVEL gives a score of 0.562, which is below the ClinGen Potassium Channel Arrhythmia VCEP PP3 threshold of >0.75 but higher than the BP4 threshold of <0.25 and does not strongly predict a damaging effect on KCNQ1 function. The computational splicing predictor SpliceAI gives a score of 0.00, which is lower than the ClinGen Potassium Channel Arrhythmia VCEP PP3 threshold of greater than or equal to 0.2 and does not strongly predict a damaging effect on KCNQ1 splicing. In summary, this variant meets the criteria to be classified as a variant of uncertain significance for long QT syndrome 1 based on the ACMG/AMP criteria applied, as specified by the ClinGen Potassium Channel Arrhythmia VCEP: None. (VCEP specifications version 1.0.0; date of approval 03/04/2025).

Labcorp Genetics (formerly Invitae), Labcorp
Classification: Uncertain significance for Long QT syndrome. Last evaluated: 2026-01-14. Review status: criteria provided, single submitter. Criteria: Invitae Variant Classification Sherloc (09022015). Collection method: clinical testing. Allele origin: germline. Not counted in ClinVar's aggregate classification.
Comment: This sequence change replaces valine, which is neutral and non-polar, with isoleucine, which is neutral and non-polar, at codon 110 of the KCNQ1 protein (p.Val110Ile). This variant is present in population databases (rs199472677, gnomAD 0.01%). This missense change has been observed in individual(s) with long QT syndrome (PMID: 14661677, 19841300, 21164565). ClinVar contains an entry for this variant (Variation ID: 53034). Invitae Evidence Modeling of protein sequence and biophysical properties (such as structural, functional, and spatial information, amino acid conservation, physicochemical variation, residue mobility, and thermodynamic stability) has been performed for this missense variant. However, the output from this modeling did not meet the statistical confidence thresholds required to predict the impact of this variant on KCNQ1 protein function. Experimental studies have shown that this missense change affects KCNQ1 function (PMID: 21164565, 29532034). In summary, the available evidence is currently insufficient to determine the role of this variant in disease. Therefore, it has been classified as a Variant of Uncertain Significance.

GeneDx
Classification: Uncertain significance. Last evaluated: 2024-11-19. Review status: criteria provided, single submitter. Criteria: GeneDx Variant Classification Process June 2021. Collection method: clinical testing. Allele origin: germline. Affected: yes. Not counted in ClinVar's aggregate classification.
Comment: Identified in a patient with LQTS in published literature; however, this patient harbored an additional variant in the KCNH2 gene (PMID: 21164565); Identified in two cases of stillbirth in published literature (PMID: 30615648); Published functional studies suggest a damaging effect via decreased current density and prolonged duration of simulated left ventricular epicardial action potentials, but without affecting cell surface expression (PMID: 30571187, 21164565, 29532034); In silico analysis indicates that this missense variant does not alter protein structure/function; This variant is associated with the following publications: (PMID: 14661677, 21164565, 23861362, 22949429, 19841300, 30571187, 29532034, 29021305, 32797034, 22581653, 30615648)

Blueprint Genetics
Classification: Uncertain significance. Last evaluated: 2024-08-30. Review status: criteria provided, single submitter. Criteria: ACMG Guidelines, 2015. Collection method: clinical testing. Allele origin: germline. Not counted in ClinVar's aggregate classification.

Victorian Clinical Genetics Services, Murdoch Childrens Research Institute
Classification: Uncertain significance for Long QT syndrome 1. Last evaluated: 2022-06-24. Review status: criteria provided, single submitter. Criteria: ACMG Guidelines, 2015. Collection method: clinical testing. Allele origin: germline. Inheritance: Autosomal dominant inheritance. Affected: yes. Not counted in ClinVar's aggregate classification.
Comment: Based on the classification scheme VCGS_Germline_v1.3.4, this variant is classified as VUS-3B. Following criteria are met: 0103 - Dominant negative, loss of function and gain of function are known mechanisms of disease in this gene. Gain of function variants result exclusively in short QT syndrome (MIM#609621), while dominant negative and loss of function variants can cause long QT syndrome (LQTS, MIM#192500), atrial fibrillation (MIM#607554) and Jervell and Lange-Nielsen syndrome (JLNS, MIM#220400) (OMIM, PMIDs: 19632626, 28438721). (I) 0108 - This gene is known to be associated with both recessive and dominant disease. JLNS is characterized by congenital, bilateral deafness and variable degrees of QT prolongation, and is the only condition caused by biallelic variants (PMID: 28438721). (I) 0112 - The condition associated with this gene has incomplete penetrance (OMIM, GeneReviews). (I) 0200 - Variant is predicted to result in a missense amino acid change from valine to isoleucine. (I) 0251 - This variant is heterozygous. (I) 0304 - Variant is present in gnomAD (v2 and v3) <0.01 for a condition (27 heterozygotes, 0 homozygotes). (SP) 0502 - Missense variant with conflicting in silico predictions and uninformative conservation. (I) 0604 - Variant is not located in an established domain, motif, hotspot or informative constraint region. (I) 0705 - No comparable missense variants have previous evidence for pathogenicity. (I) 0808 - Previous reports of pathogenicity for this variant are conflicting. This variant has been classified as a VUS by multiple clinical diagnostic laboratories and a benign variant based on its allele frequency being greater than published estimates for LQTS disease prevalence (ClinVar, PMID: 23861362). However, this variant has also been reported in two stillbirth cases and one individual with severe LQTS who carried an additional common polymorphism in KCNH2 (PMIDs: 30615648, 21164565). (I) 0905 - No published segregation evidence has been identified for this variant. (I) 1002 - This variant has moderate functional evidence supporting abnormal protein function. The mutant transcript expressed in both CHO-KI and HEK293T cells and assessed using patch clamp studies demonstrated normal surface trafficking levels but reduced peak current densities compared to the WT transcript (PMIDs: 21164565, 29532034). It should be noted that the same reduction in peak current density was also observed in CHO-KI cells carrying a KCNH2 common polymorphism (PMID: 21164565). (I) 1208 - Inheritance information for this variant is not currently available in this individual. (I) Legend: (SP) - Supporting pathogenic, (I) - Information, (SB) - Supporting benign

Ambry Genetics
Classification: Uncertain significance for Cardiovascular phenotype. Last evaluated: 2022-02-18. Review status: criteria provided, single submitter. Criteria: Ambry Variant Classification Scheme 2023. Collection method: clinical testing. Allele origin: germline. Not counted in ClinVar's aggregate classification.

CeGaT Center for Human Genetics Tuebingen
Classification: Uncertain significance. Last evaluated: 2018-05-01. Review status: criteria provided, single submitter. Criteria: CeGaT Center For Human Genetics Tuebingen Variant Classification Criteria Version 2. Collection method: clinical testing. Allele origin: germline. Affected: yes. Observed: 1 variant allele. Not counted in ClinVar's aggregate classification.

Laboratory for Molecular Medicine, Mass General Brigham Personalized Medicine
Classification: Uncertain significance. Last evaluated: 2015-06-02. Review status: criteria provided, single submitter. Criteria: LMM Criteria. Collection method: clinical testing. Allele origin: germline. Observed: 1 variant allele. Not counted in ClinVar's aggregate classification.
Comment: The p.Val110Ile variant in KCNQ1 has not been previously reported in individuals with hearing loss or Jervell and Lange-Nielsen syndrome; however, it has been i dentified in one individual with long QT syndrome (Cordeiro 2010). This variant has also been identified in 8/55006 European chromosomes by the Exome Aggregatio n Consortium (ExAC; dbSNP rs199472677). In vitro functional studies provide some evidence that this variant may impact protein f unction (Cordeiro 2010); however, these types of assays may not accurately repre sent biological function. Computational prediction tools and conservation analy ses suggest that the p.Val110Ile variant may not impact the protein, though this information is not predictive enough to rule out pathogenicity. In summary, the clinical significance of the p.Val110Ile variant is uncertain.

Biesecker Lab/Clinical Genomics Section, National Institutes of Health
Classification: Likely benign. Last evaluated: 2013-06-24. Review status: criteria provided, single submitter. Criteria: Ng et al. (Circ Cardiovasc Genet. 2013). Collection method: research. Allele origin: unknown. Observed: 1 variant allele. Study: ClinSeq. Not counted in ClinVar's aggregate classification.
Comment: The study set was not selected for affection status in relation to any cancer. Pathogenicity categories were based on literature curation. See Pubmed ID:23861362 for details.

Medical sequencing

Cardiovascular Biomedical Research Unit, Royal Brompton & Harefield NHS Foundation Trust
No classification provided. Review status: no classification provided. Collection method: literature only. Allele origin: germline. Not counted in ClinVar's aggregate classification.
Comment: This variant has been reported in the following publications (PMID:14661677;PMID:19841300;PMID:21164565).

Literature cited by the submitters: PubMed 14661677 (cited by 3 submitters); PubMed 19841300 (cited by Labcorp Genetics (formerly Invitae), Labcorp and Cardiovascular Biomedical Research Unit, Royal Brompton & Harefield NHS Foundation Trust); PubMed 21164565 (cited by 4 submitters); PubMed 29532034 (cited by Labcorp Genetics (formerly Invitae), Labcorp and Victorian Clinical Genetics Services, Murdoch Childrens Research Institute); PubMed 19632626 (cited by Victorian Clinical Genetics Services, Murdoch Childrens Research Institute); PubMed 23861362 (cited by Victorian Clinical Genetics Services, Murdoch Childrens Research Institute); PubMed 28438721 (cited by Victorian Clinical Genetics Services, Murdoch Childrens Research Institute); PubMed 30615648 (cited by Victorian Clinical Genetics Services, Murdoch Childrens Research Institute); PubMed 22949429 (cited by Laboratory for Molecular Medicine, Mass General Brigham Personalized Medicine); PubMed 22581653 (cited by Cardiovascular Biomedical Research Unit, Royal Brompton & Harefield NHS Foundation Trust).

NM_000218.3(KCNQ1):c.328G>A (p.Val110Ile)

Gene: KCNQ1 (potassium voltage-gated channel subfamily Q member 1; plus strand). Cytogenetic location: 11p15.5.
Variant type: single nucleotide variant.
Coding change: c.328G>A on transcript NM_000218.3 (MANE Select); coding-DNA position 328, G replaced by A.
Protein change: p.Val110Ile; replaces valine 110 with isoleucine.
Molecular consequence: missense variant.
Genome position (GRCh38, 1-based): chr11:2,445,426, G>A. VCF-style: chr11-2445426-G-A. GRCh37 (hg19) VCF-style: chr11-2466656-G-A.
Other names: p.V110I:GTC>ATC; NM_000218.3(KCNQ1):c.328G>A; c.328G>A (LRG_287t1); short protein forms V110I.
Identifiers: ClinVar variation 53034 (VCV000053034.63), dbSNP rs199472677, ClinGen allele CA006800.